The following is an entry in ClinVar:

ClinVar aggregate classification (germline): Likely benign (0 of 4 stars; one submission).

Conditions:
GRHL3-related disorder. Also called: GRHL3-related condition.

Allele frequency attached by ClinVar (database versions not stated): TOPMed 0.00003; 1000 Genomes Project 0.00040; gnomAD 0.00007; ESP Exome Variant Server 0.00008; ExAC 0.00015; 1000 Genomes Project 30x 0.00031.

Submission:

PreventionGenetics, part of Exact Sciences
Classification: Likely benign for GRHL3-related condition. Last evaluated: 2023-03-21. Review status: no assertion criteria provided. Collection method: clinical testing. Allele origin: germline.
Comment: This variant is classified as likely benign based on ACMG/AMP sequence variant interpretation guidelines (Richards et al. 2015 PMID: 25741868, with internal and published modifications).

NM_198173.3(GRHL3):c.252T>C (p.Asn84=)

Gene: GRHL3 (grainyhead like transcription factor 3; plus strand). Cytogenetic location: 1p36.11.
Variant type: single nucleotide variant.
Coding change: c.252T>C on transcript NM_198173.3 (MANE Select); coding-DNA position 252, T replaced by C.
Protein change: p.Asn84=; no amino-acid change (asparagine 84 retained).
Molecular consequence: synonymous variant.
Genome position (GRCh38, 1-based): chr1:24,334,692, T>C. VCF-style: chr1-24334692-T-C. GRCh37 (hg19) VCF-style: chr1-24661182-T-C.
Other names: c.114T>C, p.Asn38= (NM_001195010.2); c.267T>C, p.Asn89= (NM_021180.4); c.252T>C, p.Asn84= (NM_198174.3).
Identifiers: ClinVar variation 3047065 (VCV003047065.2), dbSNP rs142708020, ClinGen allele CA689851.